The following is an entry in ClinVar:

ClinVar aggregate classification (germline): Conflicting classifications of pathogenicity. Review status: criteria provided, conflicting classifications (1 of 4 stars). 2 submissions from 2 submitters: Pathogenic (1); Uncertain significance (1). Last evaluated 2025-01-13.

Conditions:
Hereditary cancer-predisposing syndrome. Also called: Neoplastic Syndromes, Hereditary; Hereditary Cancer Syndrome; Tumor predisposition; Hereditary neoplastic syndrome. Identifiers: Orphanet 140162, MedGen C0027672, MeSH D009386, MONDO:0015356.

Submissions (2):

Ambry Genetics
Classification: Uncertain significance for Hereditary cancer-predisposing syndrome. Last evaluated: 2025-01-13. Review status: criteria provided, single submitter. Criteria: Ambry Variant Classification Scheme 2023. Collection method: clinical testing. Allele origin: germline.
Comment: The c.5359delC variant, located in coding exon 39 of the POLE gene, results from a deletion of one nucleotide at nucleotide position 5359, causing a translational frameshift with a predicted alternate stop codon (p.L1787Cfs*9). This alteration is expected to result in loss of function by premature protein truncation or nonsense-mediated mRNA decay. Loss-of-function variants subject to nonsense mediated decay (NMD) in POLE are known to cause POLE deficiency; however, such associations with POLE-related polymerase proofreading-associated polyposis (PPAP) have not been reported. Based on the supporting evidence, this alteration is pathogenic for POLE deficiency; however, the association of this alteration with POLE-related polymerase proofreading-associated polyposis (PPAP) is unknown.

Labcorp Genetics (formerly Invitae), Labcorp
Classification: Pathogenic. Last evaluated: 2023-08-20. Review status: criteria provided, single submitter. Criteria: Invitae Variant Classification Sherloc (09022015). Collection method: clinical testing. Allele origin: germline.
Comment: For these reasons, this variant has been classified as Pathogenic. ClinVar contains an entry for this variant (Variation ID: 945667). This variant has not been reported in the literature in individuals affected with POLE-related conditions. This variant is not present in population databases (gnomAD no frequency). This sequence change creates a premature translational stop signal (p.Leu1787Cysfs*9) in the POLE gene. It is expected to result in an absent or disrupted protein product. Loss-of-function variants in POLE are known to be pathogenic (PMID: 23230001, 25948378, 30503519).

Literature cited by the submitters: PubMed 23230001 (cited by Labcorp Genetics (formerly Invitae), Labcorp); PubMed 25948378 (cited by Labcorp Genetics (formerly Invitae), Labcorp); PubMed 30503519 (cited by Labcorp Genetics (formerly Invitae), Labcorp).

NM_006231.4(POLE):c.5359del (p.Leu1787fs)

Gene: POLE (DNA polymerase epsilon, catalytic subunit; minus strand). Cytogenetic location: 12q24.33.
Variant type: Deletion.
Coding change: c.5359del on transcript NM_006231.4 (MANE Select); coding-DNA position 5359, one base deleted (C; older notation c.5359delC).
Protein change: p.Leu1787fs; shifts the reading frame from leucine 1787.
Molecular consequence: frameshift variant.
Genome position (GRCh38, 1-based): chr12:132,641,666, G deleted on the plus strand (C on the coding strand, the reverse complement: POLE is on the minus strand); the first of 3 consecutive G bases (chr12:132,641,666-132,641,668); deleting any one gives the same sequence. VCF-style (leftmost placement, unchanged base first): chr12-132641665-AG-A. GRCh37 (hg19) VCF-style: chr12-133218251-AG-A.
Other names: c.5359delC (NM_006231.2); short protein forms L1787fs.
Identifiers: ClinVar variation 945667 (VCV000945667.10), dbSNP rs2042144519, ClinGen allele CA1139662962.